The following is an entry in ClinVar:

NM_024334.3(TMEM43):c.1172_1184del (p.Arg391fs)

Gene: TMEM43 (transmembrane protein 43; plus strand). Cytogenetic location: 3p25.1.
Variant type: Deletion.
Coding change: c.1172_1184del on transcript NM_024334.3 (MANE Select); coding-DNA positions 1172 to 1184, 13 bases deleted (GGACACGGGTGCC).
Protein change: p.Arg391fs; shifts the reading frame from arginine 391.
Molecular consequence: frameshift variant.
Genome position (GRCh38, 1-based): chr3:14,141,764-14,141,776, GGACACGGGTGCC deleted; deleting any 13 consecutive bases within chr3:14,141,763-14,141,776 gives the same sequence; the c. name uses the placement nearest the transcript's 3' end. VCF-style (leftmost placement, unchanged base first): chr3-14141762-TCGGACACGGGTGC-T. GRCh37 (hg19) VCF-style: chr3-14183262-TCGGACACGGGTGC-T.
Other names: c.1172_1184del13 (NM_024334.2); short protein forms R391fs.
Identifiers: ClinVar variation 1063592 (VCV001063592.9), dbSNP rs2124997454, ClinGen allele CA913188072.

ClinVar aggregate classification (germline): Uncertain significance. Review status: criteria provided, multiple submitters, no conflicts (2 of 4 stars). 3 submissions from 3 submitters: Uncertain significance (3). Last evaluated 2025-03-16.

Conditions:
Cardiovascular phenotype. Identifiers: MedGen CN230736.
Arrhythmogenic right ventricular dysplasia 5. Also called: Arrhythmogenic Right Ventricular Dysplasia/Cardiomyopathy 5; ARRHYTHMOGENIC RIGHT VENTRICULAR DYSPLASIA, FAMILIAL, 5. Identifiers: MedGen C1858379, MONDO:0011459, OMIM 604400.
Auditory neuropathy, autosomal dominant 3 (AUNA3). Identifiers: MedGen C5676964, MONDO:0859235, OMIM 619832.
Emery-Dreifuss muscular dystrophy 7, autosomal dominant (EDMD7). Also called: Emery-Dreifuss muscular dystrophy 7, AD. Identifiers: Orphanet 261, MedGen C3553060, MONDO:0013677, OMIM 614302.

Submissions (3):

Labcorp Genetics (formerly Invitae), Labcorp
Classification: Uncertain significance for Arrhythmogenic right ventricular dysplasia 5. Last evaluated: 2025-03-16. Review status: criteria provided, single submitter. Criteria: Invitae Variant Classification Sherloc (09022015). Collection method: clinical testing. Allele origin: germline.
Comment: This sequence change results in a frameshift in the TMEM43 gene (p.Arg391Glnfs*20). While this is not anticipated to result in nonsense mediated decay, it is expected to disrupt the last 10 amino acid(s) of the TMEM43 protein and extend the protein by 9 additional amino acid residues. This variant is not present in population databases (gnomAD no frequency). This variant has not been reported in the literature in individuals affected with TMEM43-related conditions. ClinVar contains an entry for this variant (Variation ID: 1063592). Experimental studies and prediction algorithms are not available or were not evaluated, and the functional significance of this variant is currently unknown. In summary, the available evidence is currently insufficient to determine the role of this variant in disease. Therefore, it has been classified as a Variant of Uncertain Significance.

Ambry Genetics
Classification: Uncertain significance for Cardiovascular phenotype. Last evaluated: 2025-02-21. Review status: criteria provided, single submitter. Criteria: Ambry Variant Classification Scheme 2023. Collection method: clinical testing. Allele origin: germline.
Comment: The c.1172_1184del13 variant, located in coding exon 12 of the TMEM43 gene, results from a deletion of 13 nucleotides at nucleotide positions 1172 to 1184, causing a translational frameshift with a predicted alternate stop codon (p.R391Qfs*20). This alteration is expected to result in protein truncation or nonsense-mediated mRNA decay. However, loss of function of TMEM43 has not been established as a mechanism of disease. Based on the available evidence, the clinical significance of this alteration remains unclear.

Fulgent Genetics
Classification: Uncertain significance for Arrhythmogenic right ventricular dysplasia 5; Emery-Dreifuss muscular dystrophy 7, autosomal dominant; Auditory neuropathy, autosomal dominant 3. Last evaluated: 2021-11-18. Review status: criteria provided, single submitter. Criteria: ACMG Guidelines, 2015. Collection method: clinical testing. Allele origin: unknown.